The following is an entry in ClinVar:

ClinVar aggregate classification (germline): Uncertain significance (1 of 4 stars; one submission).

Conditions:
Tessadori-Van Haaften neurodevelopmental syndrome 3 (TEBIVANED3). Identifiers: MedGen C5774310, MONDO:0030993, OMIM 619950.

Submission:

OLLIN Analises Genomicas, OLLIN
Classification: Uncertain significance for Tessadori-Van Haaften neurodevelopmental syndrome 3. Last evaluated: 2026-08-06. Review status: criteria provided, single submitter. Criteria: ACMG Guidelines 2015 PMID 25741868. Collection method: clinical testing. Allele origin: germline. Inheritance: Autosomal dominant inheritance.
Comment: This missense variant, located in exon 1 (of 1), is absent from gnomAD and ClinVar and has not been identified in the literature. In silico analysis predicts that this variant has a deleterious effect. According to the currently available evidence, this variant has been classified as uncertain significance (PM2_P, PP3).

NM_003545.4(H4C5):c.109C>G (p.Arg37Gly)

Genes: H4C5 (H4 clustered histone 5; plus strand), LOC129996027 (ATAC-STARR-seq lymphoblastoid active region 24208; plus strand). Cytogenetic location: 6p22.2.
Variant type: single nucleotide variant.
Coding change: c.109C>G on transcript NM_003545.4 (MANE Select); coding-DNA position 109, C replaced by G.
Protein change: p.Arg37Gly; replaces arginine 37 with glycine.
Molecular consequence: missense variant.
Genome position (GRCh38, 1-based): chr6:26,204,753, C>G. VCF-style: chr6-26204753-C-G. GRCh37 (hg19) VCF-style: chr6-26204981-C-G.
Other names: short protein forms R37G.
Identifiers: ClinVar variation 5002892 (VCV005002892.1).